The following is an entry in ClinVar:

NM_000574.5(CD55):c.1115G>A (p.Gly372Glu)

Gene: CD55 (CD55 molecule (Cromer blood group); plus strand). Cytogenetic location: 1q32.2.
Variant type: single nucleotide variant.
Coding change: c.1115G>A on transcript NM_000574.5 (MANE Select); coding-DNA position 1115, G replaced by A.
Protein change: p.Gly372Glu; replaces glycine 372 with glutamic acid.
Molecular consequence: missense variant. On other transcripts: nonsense (2), 3 prime UTR variant (1), non-coding transcript variant (1).
Genome position (GRCh38, 1-based): chr1:207,359,579, G>A. VCF-style: chr1-207359579-G-A. GRCh37 (hg19) VCF-style: chr1-207532924-G-A.
Other names: c.1230G>A, p.Trp410Ter (NM_001300903.2); c.*53G>A (NM_001300904.2); c.1233G>A, p.Trp411Ter (NM_001114752.3); short protein forms W410*, G372E, W411*.
Identifiers: ClinVar variation 1442854 (VCV001442854.8), dbSNP rs199553775, ClinGen allele CA36613474.

ClinVar aggregate classification (germline): Uncertain significance (1 of 4 stars; one submission).

Allele frequency attached by ClinVar (database versions not stated): gnomAD exomes 0.00001; 1000 Genomes Project 30x 0.00016; 1000 Genomes Project 0.00020.
gnomAD v4.1: 3 of 1,579,780 alleles (0.00019%); highest among the groups gnomAD compares: Admixed American, 0.0018%; no homozygotes.

Submission:

Labcorp Genetics (formerly Invitae), Labcorp
Classification: Uncertain significance. Last evaluated: 2024-10-28. Review status: criteria provided, single submitter. Criteria: Invitae Variant Classification Sherloc (09022015). Collection method: clinical testing. Allele origin: germline.
Comment: This sequence change replaces glycine, which is neutral and non-polar, with glutamic acid, which is acidic and polar, at codon 372 of the CD55 protein (p.Gly372Glu). The frequency data for this variant in the population databases is considered unreliable, as metrics indicate poor data quality at this position in the gnomAD database. This variant has not been reported in the literature in individuals affected with CD55-related conditions. ClinVar contains an entry for this variant (Variation ID: 1442854). Experimental studies and prediction algorithms are not available or were not evaluated, and the functional significance of this variant is currently unknown. Algorithms developed to predict the effect of sequence changes on RNA splicing suggest that this variant may disrupt the consensus splice site. In summary, the available evidence is currently insufficient to determine the role of this variant in disease. Therefore, it has been classified as a Variant of Uncertain Significance.